The following is an entry in ClinVar:

NM_003924.4(PHOX2B):c.925G>A (p.Val309Met)

Gene: PHOX2B (paired like homeobox 2B; minus strand). Cytogenetic location: 4p13.
Variant type: single nucleotide variant.
Coding change: c.925G>A on transcript NM_003924.4 (MANE Select); coding-DNA position 925, G replaced by A.
Protein change: p.Val309Met; replaces valine 309 with methionine.
Molecular consequence: missense variant.
Genome position (GRCh38, 1-based): chr4:41,745,827, C>T on the plus strand (G>A on the coding strand, the complement: PHOX2B is on the minus strand). VCF-style: chr4-41745827-C-T. GRCh37 (hg19) VCF-style: chr4-41747844-C-T.
Other names: short protein forms V309M.
Identifiers: ClinVar variation 859176 (VCV000859176.13), dbSNP rs756644504, ClinGen allele CA356736693.
Genomic context (GRCh38, chr4:41,745,827, plus strand): 5'-CCCGCTGTCGCCGCCGCCGCCGCCGCCGCAGGATTCCAGATCAGAACATACTGCTCTTCA[C>T]TAAGGCGGCTTTGGCACCGTTGGGTCTTTGGAGCGAAGATAGGACGCTGGCGAAGGGACC-3'
Protein context (NP_003915.2, residues 299-314): QRPNGAKAAL[Val309Met]KSSMF

ClinVar aggregate classification (germline): Uncertain significance. Review status: criteria provided, multiple submitters, no conflicts (2 of 4 stars). 2 submissions from 2 submitters: Uncertain significance (2). Last evaluated 2025-05-21.

Conditions:
Haddad syndrome (OHD). Also called: Ondine-Hirschsprung disease. Identifiers: Orphanet 99803, MedGen C1859049, MONDO:0020493.
Hereditary cancer-predisposing syndrome. Also called: Tumor predisposition; Hereditary neoplastic syndrome; Neoplastic Syndromes, Hereditary; Hereditary Cancer Syndrome. Identifiers: Orphanet 140162, MedGen C0027672, MeSH D009386, MONDO:0015356.

Submissions (2):

Ambry Genetics
Classification: Uncertain significance for Hereditary cancer-predisposing syndrome. Last evaluated: 2025-05-21. Review status: criteria provided, single submitter. Criteria: Ambry Variant Classification Scheme 2023. Collection method: clinical testing. Allele origin: germline.
Comment: The p.V309M variant (also known as c.925G>A), located in coding exon 3 of the PHOX2B gene, results from a G to A substitution at nucleotide position 925. The valine at codon 309 is replaced by methionine, an amino acid with highly similar properties. This amino acid position is highly conserved in available vertebrate species. In addition, the in silico prediction for this alteration is inconclusive. Based on the available evidence, the clinical significance of this variant remains unclear.

Labcorp Genetics (formerly Invitae), Labcorp
Classification: Uncertain significance for Haddad syndrome. Last evaluated: 2023-11-27. Review status: criteria provided, single submitter. Criteria: Invitae Variant Classification Sherloc (09022015). Collection method: clinical testing. Allele origin: germline.
Comment: This sequence change replaces valine, which is neutral and non-polar, with methionine, which is neutral and non-polar, at codon 309 of the PHOX2B protein (p.Val309Met). This variant is not present in population databases (gnomAD no frequency). This variant has not been reported in the literature in individuals affected with PHOX2B-related conditions. ClinVar contains an entry for this variant (Variation ID: 859176). Experimental studies and prediction algorithms are not available or were not evaluated, and the functional significance of this variant is currently unknown. In summary, the available evidence is currently insufficient to determine the role of this variant in disease. Therefore, it has been classified as a Variant of Uncertain Significance.